The following is an entry in ClinVar:

ClinVar aggregate classification (germline): Uncertain significance. Review status: criteria provided, multiple submitters, no conflicts (2 of 4 stars). 2 submissions from 2 submitters: Uncertain significance (2). Last evaluated 2025-11-01.

Allele frequency attached by ClinVar (database versions not stated): ESP Exome Variant Server 0.00008; 1000 Genomes Project 30x 0.00016; 1000 Genomes Project 0.00020; gnomAD exomes below 0.00001; ExAC 0.00004; gnomAD 0.00006; TOPMed 0.00006.
gnomAD v4.1: 13 of 1,564,078 alleles (0.00083%); highest among the groups gnomAD compares: African/African-American, 0.014%; no homozygotes.

Submissions (2):

Labcorp Genetics (formerly Invitae), Labcorp
Classification: Uncertain significance. Last evaluated: 2025-11-01. Review status: criteria provided, single submitter. Criteria: Invitae Variant Classification Sherloc (09022015). Collection method: clinical testing. Allele origin: germline.
Comment: This sequence change replaces valine, which is neutral and non-polar, with alanine, which is neutral and non-polar, at codon 261 of the SLC26A1 protein (p.Val261Ala). This variant is present in population databases (rs145990235, gnomAD 0.03%). This variant has not been reported in the literature in individuals affected with SLC26A1-related conditions. ClinVar contains an entry for this variant (Variation ID: 3025479). Invitae Evidence Modeling of protein sequence and biophysical properties (such as structural, functional, and spatial information, amino acid conservation, physicochemical variation, residue mobility, and thermodynamic stability) indicates that this missense variant is not expected to disrupt SLC26A1 protein function with a negative predictive value of 80%. In summary, the available evidence is currently insufficient to determine the role of this variant in disease. Therefore, it has been classified as a Variant of Uncertain Significance.

CeGaT Center for Human Genetics Tuebingen
Classification: Uncertain significance. Last evaluated: 2023-12-01. Review status: criteria provided, single submitter. Criteria: CeGaT Center For Human Genetics Tuebingen Variant Classification Criteria Version 2. Collection method: clinical testing. Allele origin: germline. Affected: yes. Observed: 1 variant allele.
Comment: SLC26A1: PM2

NM_022042.4(SLC26A1):c.782T>C (p.Val261Ala)

Genes: IDUA (alpha-L-iduronidase; plus strand), SLC26A1 (solute carrier family 26 member 1; minus strand). Cytogenetic location: 4p16.3.
Variant type: single nucleotide variant.
Coding change: c.782T>C on transcript NM_022042.4 (MANE Select); coding-DNA position 782, T replaced by C.
Protein change: p.Val261Ala; replaces valine 261 with alanine.
Molecular consequence: missense variant. On other transcripts: intron variant (2).
Genome position (GRCh38, 1-based): chr4:990,157, A>G on the plus strand (T>C on the coding strand, the complement: SLC26A1 is on the minus strand). VCF-style: chr4-990157-A-G. GRCh37 (hg19) VCF-style: chr4-983945-A-G.
Other names: c.782T>C, p.Val261Ala (NM_213613.4); c.576+971T>C (NM_134425.4); c.299+2208A>G (NM_000203.5); short protein forms V261A.
Identifiers: ClinVar variation 3025479 (VCV003025479.23), dbSNP rs145990235, ClinGen allele CA2801545.
Genomic context (GRCh38, chr4:990,157, plus strand): 5'-GAGAGCTCCTTCGCGGCTAGCAGCACCGCCAGGCACACCGTGCTGGTGACCACGTCGCAC[A>G]CGTTGGCCTGCCCGGCGCCGCGCAGCAGGCTCAGCCATGTGAGGACCACCATGCCGGGCC-3'
Protein context (NP_071325.2, residues 251-271): SLLRGAGQAN[Val261Ala]CDVVTSTVCL